The following is an entry in ClinVar:

ClinVar aggregate classification (germline): Uncertain significance (1 of 4 stars; one submission).

gnomAD v4.1: 1 of 1,611,230 alleles (0.000062%); highest among the groups gnomAD compares: Non-Finnish European, 0.000085%; no homozygotes.

Submission:

Women's Health and Genetics/Laboratory Corporation of America, LabCorp
Classification: Uncertain significance. Last evaluated: 2026-01-22. Review status: criteria provided, single submitter. Criteria: LabCorp Variant Classification Summary - May 2015. Collection method: clinical testing. Allele origin: germline.
Comment: Variant summary: ATP7B c.2999G>A (p.Gly1000Glu) results in a non-conservative amino acid change in the encoded protein sequence. Algorithms developed to predict the effect of missense changes on protein structure and function all suggest that this variant is likely to be disruptive. The variant was absent in 244084 control chromosomes. The available data on variant occurrences in the general population are insufficient to allow any conclusion about variant significance. To our knowledge, no occurrence of c.2999G>A in individuals affected with ATP7B-related conditions and no experimental evidence demonstrating its impact on protein function have been reported. No submitters have cited clinical-significance assessments for this variant to ClinVar. Based on the evidence outlined above, the variant was classified as uncertain significance.

NM_000053.4(ATP7B):c.2999G>A (p.Gly1000Glu)

Gene: ATP7B (ATPase copper transporting beta; minus strand). Cytogenetic location: 13q14.3.
Variant type: single nucleotide variant.
Coding change: c.2999G>A on transcript NM_000053.4 (MANE Select); coding-DNA position 2999, G replaced by A.
Protein change: p.Gly1000Glu; replaces glycine 1000 with glutamic acid.
Molecular consequence: missense variant. On other transcripts: intron variant (6).
Genome position (GRCh38, 1-based): chr13:51,946,345, C>T on the plus strand (G>A on the coding strand, the complement: ATP7B is on the minus strand). VCF-style: chr13-51946345-C-T. GRCh37 (hg19) VCF-style: chr13-52520481-C-T.
Other names: c.2378G>A, p.Gly793Glu (NM_001005918.3); c.2666G>A, p.Gly889Glu (NM_001243182.2); c.2765G>A, p.Gly922Glu (NM_001330578.2, NM_001406527.1, NM_001406528.1 and 1 more transcripts); c.2747G>A, p.Gly916Glu (NM_001330579.2, NM_001406531.1, NM_001406532.1); c.2999G>A, p.Gly1000Glu (NM_001406511.1, NM_001406512.1, NM_001406513.1 and 2 more transcripts); c.2966G>A, p.Gly989Glu (NM_001406514.1); c.2945G>A, p.Gly982Glu (NM_001406515.1, NM_001406516.1); c.2903G>A, p.Gly968Glu (NM_001406517.1, NM_001406518.1); and 18 more; short protein forms G1000E, G570E, G784E, G793E, G806E, G838E, G857E, G884E.
Identifiers: ClinVar variation 4689111 (VCV004689111.1).